The following is an entry in ClinVar:

ClinVar aggregate classification (germline): Uncertain significance (1 of 4 stars; one submission).

Allele frequency attached by ClinVar (database versions not stated): gnomAD 0.00001; TOPMed 0.00001.
gnomAD v4.1: 1 of 1,613,380 alleles (0.000062%); highest among the groups gnomAD compares: Admixed American, 0.0017%; no homozygotes.

Submission:

Labcorp Genetics (formerly Invitae), Labcorp
Classification: Uncertain significance. Last evaluated: 2021-08-14. Review status: criteria provided, single submitter. Criteria: Invitae Variant Classification Sherloc (09022015). Collection method: clinical testing. Allele origin: germline.
Comment: This sequence change replaces glutamic acid with glutamine at codon 188 of the PCDH15 protein (p.Glu188Gln). The glutamic acid residue is highly conserved and there is a small physicochemical difference between glutamic acid and glutamine. This variant is not present in population databases (ExAC no frequency). This variant has not been reported in the literature in individuals affected with PCDH15-related conditions. Algorithms developed to predict the effect of missense changes on protein structure and function are either unavailable or do not agree on the potential impact of this missense change (SIFT: "Tolerated"; PolyPhen-2: "Probably Damaging"; Align-GVGD: "Class C0"). In summary, the available evidence is currently insufficient to determine the role of this variant in disease. Therefore, it has been classified as a Variant of Uncertain Significance.

NM_001384140.1(PCDH15):c.562G>C (p.Glu188Gln)

Gene: PCDH15 (protocadherin related 15; minus strand). Cytogenetic location: 10q21.1.
Variant type: single nucleotide variant.
Coding change: c.562G>C on transcript NM_001384140.1 (MANE Select); coding-DNA position 562, G replaced by C.
Protein change: p.Glu188Gln; replaces glutamic acid 188 with glutamine.
Molecular consequence: missense variant.
Genome position (GRCh38, 1-based): chr10:54,346,397, C>G on the plus strand (G>C on the coding strand, the complement: PCDH15 is on the minus strand). VCF-style: chr10-54346397-C-G. GRCh37 (hg19) VCF-style: chr10-56106157-C-G.
Other names: c.577G>C, p.Glu193Gln (NM_001142763.2, NM_001142769.4, NM_001142771.2); c.562G>C, p.Glu188Gln (NM_001142764.2, NM_001142765.2, NM_001142766.2 and 8 more transcripts); c.496G>C, p.Glu166Gln (NM_001142768.2, NM_001142773.2, NM_001354404.2); short protein forms E188Q, E193Q, E166Q.
Identifiers: ClinVar variation 1366119 (VCV001366119.5), dbSNP rs1943290647, ClinGen allele CA376541653.